The following is an entry in ClinVar:

ClinVar aggregate classification (germline): Pathogenic/Likely pathogenic. Review status: criteria provided, multiple submitters, no conflicts (2 of 4 stars). 3 submissions from 3 submitters: Pathogenic (1); Likely pathogenic (2). Last evaluated 2025-12-29.

Conditions:
Hereditary cancer-predisposing syndrome. Also called: Neoplastic Syndromes, Hereditary; Tumor predisposition; Hereditary Cancer Syndrome; Hereditary neoplastic syndrome. Identifiers: Orphanet 140162, MedGen C0027672, MeSH D009386, MONDO:0015356.

Submissions (3):

Center for Genomic Medicine, Rigshospitalet, Copenhagen University Hospital
Classification: Likely pathogenic. Last evaluated: 2025-12-29. Review status: criteria provided, single submitter. Criteria: ACMG Guidelines, 2015. Collection method: clinical testing. Allele origin: germline.

Ambry Genetics
Classification: Pathogenic for Hereditary cancer-predisposing syndrome. Last evaluated: 2023-09-12. Review status: criteria provided, single submitter. Criteria: Ambry Variant Classification Scheme 2023. Collection method: clinical testing. Allele origin: germline.
Comment: The c.1008+1G>A intronic variant results from a G to A substitution one nucleotide after coding exon 7 of the CDH1 gene. This alteration has been reported in an individual affected with lobular breast cancer (Benusiglio PR et al. J Med Genet, 2013 Jul;50:486-9). This nucleotide position is highly conserved in available vertebrate species. In silico splice site analysis predicts that this alteration will weaken the native splice donor site and may result in the creation or strengthening of a novel splice donor site; however, direct evidence is insufficient at this time (Ambry internal data). This variant is considered to be rare based on population cohorts in the Genome Aggregation Database (gnomAD). Alterations that disrupt the canonical splice site are expected to cause aberrant splicing, resulting in an abnormal protein or a transcript that is subject to nonsense-mediated mRNA decay. Based on the supporting evidence, this alteration is interpreted as a disease-causing mutation.

Color Diagnostics, LLC DBA Color Health
Classification: Likely pathogenic for Hereditary cancer-predisposing syndrome. Last evaluated: 2020-02-06. Review status: criteria provided, single submitter. Criteria: ACMG Guidelines, 2015. Collection method: clinical testing. Allele origin: germline.
Comment: This variant causes a G>A nucleotide substitution at the +1 position of intron 7 of the CDH1 gene. Splice site prediction tools predict that this variant may have a significant impact on RNA splicing. Although this prediction has not been confirmed in published RNA studies, this variant is expected to result in an absent or disrupted protein product. This variant has been reported in an individual affected with lobular breast cancer (PMID: 23709761). This variant has not been identified in the general population by the Genome Aggregation Database (gnomAD). Loss of CDH1 function is a known mechanism of disease. Based on the available evidence, this variant is classified as Likely Pathogenic.

Literature cited by the submitters: PubMed 23709761 (cited by Center for Genomic Medicine, Rigshospitalet, Copenhagen University Hospital and Ambry Genetics).

NM_004360.5(CDH1):c.1008+1G>A

Gene: CDH1 (cadherin 1; plus strand). Cytogenetic location: 16q22.1.
Variant type: single nucleotide variant.
Coding change: c.1008+1G>A on transcript NM_004360.5 (MANE Select); the canonical splice donor site of the intron after coding-DNA position 1008, G replaced by A.
Molecular consequence: splice donor variant.
Genome position (GRCh38, 1-based): chr16:68,811,860, G>A. VCF-style: chr16-68811860-G-A. GRCh37 (hg19) VCF-style: chr16-68845763-G-A.
Other names: c.-608+1G>A (NM_001317185.2); c.-812+1G>A (NM_001317186.2); c.1008+1G>A (NM_001317184.2, NM_004360.3).
Identifiers: ClinVar variation 925321 (VCV000925321.6), dbSNP rs1960844889, ClinGen allele CA396459904.